The following is an entry in ClinVar:

ClinVar aggregate classification (germline): Likely benign. Review status: criteria provided, single submitter (1 of 4 stars). 2 submissions from 2 submitters: Likely benign (1). 1 of the submissions does not count toward it. Last evaluated 2023-10-25.

Conditions:
GPRASP2-related disorder. Also called: GPRASP2-related condition.

Allele frequency attached by ClinVar (database versions not stated): gnomAD 0.00002; TOPMed 0.00002; gnomAD exomes 0.00003.
gnomAD v4.1: 33 of 1,211,083 alleles (0.0027%); highest among the groups gnomAD compares: Non-Finnish European, 0.0037%; no homozygotes.

Submissions (2):

Blueprint Genetics
Classification: Likely benign. Last evaluated: 2023-10-25. Review status: criteria provided, single submitter. Criteria: ACMG Guidelines, 2015. Collection method: clinical testing. Allele origin: germline.

PreventionGenetics, part of Exact Sciences
Classification: Likely benign for GPRASP2-related condition. Last evaluated: 2019-10-02. Review status: no assertion criteria provided. Collection method: clinical testing. Allele origin: germline. Not counted in ClinVar's aggregate classification.
Comment: This variant is classified as likely benign based on ACMG/AMP sequence variant interpretation guidelines (Richards et al. 2015 PMID: 25741868, with internal and published modifications).

NM_001004051.4(GPRASP2):c.504C>T (p.Gly168=)

Genes: ARMCX5-GPRASP2 (ARMCX5-GPRASP2 readthrough; plus strand), GPRASP2 (G protein-coupled receptor associated sorting protein 2; plus strand). Cytogenetic location: Xq22.1.
Variant type: single nucleotide variant.
Coding change: c.504C>T on transcript NM_001004051.4 (MANE Select); coding-DNA position 504, C replaced by T.
Protein change: p.Gly168=; no amino-acid change (glycine 168 retained).
Molecular consequence: synonymous variant. On other transcripts: intron variant (3).
Genome position (GRCh38, 1-based): chrX:102,715,373, C>T. VCF-style: chrX-102715373-C-T. GRCh37 (hg19) VCF-style: chrX-101970301-C-T.
Other names: c.504C>T, p.Gly168= (NM_001199818.1, NM_001184874.3, NM_001184875.3 and 2 more transcripts); c.-820+1107C>T (NM_001350268.2); c.-752+1107C>T (NM_001350269.2); c.-721+1107C>T (NM_001350270.1).
Identifiers: ClinVar variation 3040660 (VCV003040660.3), dbSNP rs1346920253, ClinGen allele CA518085151.
Genomic context (GRCh38, chrX:102,715,373, plus strand): 5'-TAATGCCGTTGCTTGGCCACTGGCCACTGCTGAGTCTGGATCAGTTACTAAATCTAAGGG[C>T]CTGTCTATGGATAGAGAACTAGTCAATGTGGATGCTGAAACCTTTCCTGGCACCCAGGGT-3'
Protein context (NP_001004051.1, residues 158-178): AESGSVTKSK[Gly168=]LSMDRELVNV